The following is an entry in ClinVar:

NM_001267550.2(TTN):c.14533G>A (p.Asp4845Asn)

Gene: TTN (titin; minus strand). Cytogenetic location: 2q31.2.
Variant type: single nucleotide variant.
Coding change: c.14533G>A on transcript NM_001267550.2 (MANE Select); coding-DNA position 14533, G replaced by A.
Protein change: p.Asp4845Asn; replaces aspartic acid 4845 with asparagine.
Molecular consequence: missense variant. On other transcripts: intron variant (3).
Genome position (GRCh38, 1-based): chr2:178,735,913, C>T on the plus strand (G>A on the coding strand, the complement: TTN is on the minus strand). VCF-style: chr2-178735913-C-T. GRCh37 (hg19) VCF-style: chr2-179600640-C-T.
Other names: c.13582G>A, p.Asp4528Asn (NM_001256850.1); c.13282+2169G>A (NM_003319.4); c.13858+2169G>A (NM_133437.4); c.13657+2169G>A (NM_133432.3); c.10801G>A, p.Asp3601Asn (NM_133378.4); c.14533G>A (NM_001267550.1); short protein forms D4845N, D3601N, D4528N.
Identifiers: ClinVar variation 46588 (VCV000046588.25), dbSNP rs373378672, ClinGen allele CA138675.

ClinVar aggregate classification (germline): Conflicting classifications of pathogenicity. Review status: criteria provided, conflicting classifications (1 of 4 stars). 13 submissions from 9 submitters: Uncertain significance (9); Benign (1); Likely benign (3). Last evaluated 2026-08-07.

Conditions:
TTN-related disorder. Also called: TTN-related condition; TTN-related disease; TTN-related disorders.
Autosomal recessive limb-girdle muscular dystrophy type 2J (LGMDR10). Also called: Limb-girdle muscular dystrophy, type 2J; MUSCULAR DYSTROPHY, LIMB-GIRDLE, AUTOSOMAL RECESSIVE 10. Identifiers: Orphanet 140922, MedGen C1837342, MONDO:0012127, OMIM 608807.
Dilated cardiomyopathy 1G (CMD1G). Identifiers: Orphanet 154, MedGen C1858763, MONDO:0011400, OMIM 604145.
Early-onset myopathy with fatal cardiomyopathy (CMYO5). Also called: Salih Myopathy; CONGENITAL MYOPATHY 5 WITH CARDIOMYOPATHY. Identifiers: Orphanet 289377, MedGen C2673677, MONDO:0012714, OMIM 611705. Disease mechanism: loss of function.
Myopathy, myofibrillar, 9, with early respiratory failure (MFM9). Also called: Hereditary myopathy with early respiratory failure; EDSTROM MYOPATHY; MYOPATHY, PROXIMAL, WITH EARLY RESPIRATORY MUSCLE INVOLVEMENT; Myopathy, distal, with early respiratory failure, autosomal dominant. Identifiers: Orphanet 178464, Orphanet 34521, MedGen C1863599, MONDO:0011362, OMIM 603689.
Tibial muscular dystrophy (TMD). Also called: Tibial muscular dystrophy, tardive; UDD MYOPATHY; Udd Distal Myopathy – Tibial Muscular Dystrophy. Identifiers: Orphanet 609, MedGen C1838244, MONDO:0010870, OMIM 600334.

Allele frequency attached by ClinVar (database versions not stated): gnomAD exomes 0.00010 and 0.00014; ExAC 0.00015; ESP Exome Variant Server 0.00016; gnomAD 0.00016 and 0.00017; TOPMed 0.00020.
gnomAD v4.1: 179 of 1,613,882 alleles (0.011%); highest among the groups gnomAD compares: Middle Eastern, 0.05%; no homozygotes.

Submissions (13):

PreventionGenetics, part of Exact Sciences
Classification: Uncertain significance for TTN-related condition. Last evaluated: 2026-08-07. Review status: criteria provided, single submitter. Criteria: ACMG Guidelines, 2015. Collection method: clinical testing. Allele origin: germline.
Comment: The TTN c.14533G>A variant is predicted to result in the amino acid substitution p.Asp4845Asn. To our knowledge, this variant has not been reported in the literature. This variant is reported in 0.036% of alleles in individuals of South Asian descent in gnomAD. Although we suspect that this variant may be benign, at this time, the clinical significance of this variant is uncertain due to the absence of conclusive functional and genetic evidence.

Athena Diagnostics
Classification: Uncertain significance. Last evaluated: 2025-10-08. Review status: criteria provided, single submitter. Criteria: Athena Diagnostics Criteria. Collection method: clinical testing. Allele origin: unknown.
Comment: Available data are insufficient to determine the clinical significance of the variant at this time. The frequency of this variant in the general population is higher than would generally be expected for pathogenic variants in this gene. Polyphen and MutationTaster predict this amino acid change may be benign.

Molecular Diagnostic Laboratory for Inherited Cardiovascular Disease, Montreal Heart Institute
Classification: Likely benign. Last evaluated: 2025-04-09. Review status: criteria provided, single submitter. Criteria: ACMG Guidelines, 2015. Collection method: clinical testing. Allele origin: germline. Affected: no.

Revvity Omics, Revvity
Classification: Uncertain significance. Last evaluated: 2023-08-03. Review status: criteria provided, single submitter. Criteria: ACMG Guidelines, 2015. Collection method: clinical testing. Allele origin: germline.

GeneDx
Classification: Likely benign. Last evaluated: 2020-10-28. Review status: criteria provided, single submitter. Criteria: GeneDx Variant Classification Process June 2021. Collection method: clinical testing. Allele origin: germline. Affected: yes.

Eurofins Ntd Llc (ga)
Classification: Uncertain significance. Last evaluated: 2018-07-05. Review status: criteria provided, single submitter. Criteria: EGL ClinVar v180209 classification definitions. Collection method: clinical testing. Allele origin: germline. Observed: 3 variant alleles, 3 heterozygotes.

Illumina Laboratory Services, Illumina
Classification: Benign for Tibial muscular dystrophy. Last evaluated: 2018-01-12. Review status: criteria provided, single submitter. Criteria: ICSL Variant Classification Criteria 13 December 2019. Collection method: clinical testing. Allele origin: germline.
Comment: This variant was observed in the ICSL laboratory as part of a predisposition screen in an ostensibly healthy population. It had not been previously curated by ICSL or reported in the Human Gene Mutation Database (HGMD: prior to June 1st, 2018), and was therefore a candidate for classification through an automated scoring system. Utilizing variant allele frequency, disease prevalence and penetrance estimates, and inheritance mode, an automated score was calculated to assess if this variant is too frequent to cause the disease. Based on the score and internal cut-off values, a variant classified as benign is not then subjected to further curation. The score for this variant resulted in a classification of benign for this disease.

Illumina Laboratory Services, Illumina
Classification: Likely benign for Myopathy, myofibrillar, 9, with early respiratory failure. Last evaluated: 2018-01-12. Review status: criteria provided, single submitter. Criteria: ICSL Variant Classification Criteria 13 December 2019. Collection method: clinical testing. Allele origin: germline.
Comment: This variant was observed in the ICSL laboratory as part of a predisposition screen in an ostensibly healthy population. It had not been previously curated by ICSL or reported in the Human Gene Mutation Database (HGMD: prior to June 1st, 2018), and was therefore a candidate for classification through an automated scoring system. Utilizing variant allele frequency, disease prevalence and penetrance estimates, and inheritance mode, an automated score was calculated to assess if this variant is too frequent to cause the disease. Based on the score and internal cut-off values, a variant classified as likely benign is not then subjected to further curation. The score for this variant resulted in a classification of likely benign for this disease.

Illumina Laboratory Services, Illumina
Classification: Uncertain significance for Early-onset myopathy with fatal cardiomyopathy. Last evaluated: 2018-01-12. Review status: criteria provided, single submitter. Criteria: ICSL Variant Classification Criteria 13 December 2019. Collection method: clinical testing. Allele origin: germline.

Illumina Laboratory Services, Illumina
Classification: Uncertain significance for Dilated cardiomyopathy 1G. Last evaluated: 2018-01-12. Review status: criteria provided, single submitter. Criteria: ICSL Variant Classification Criteria 13 December 2019. Collection method: clinical testing. Allele origin: germline.

Illumina Laboratory Services, Illumina
Classification: Uncertain significance for Autosomal recessive limb-girdle muscular dystrophy type 2J. Last evaluated: 2018-01-12. Review status: criteria provided, single submitter. Criteria: ICSL Variant Classification Criteria 13 December 2019. Collection method: clinical testing. Allele origin: germline.

Labcorp Genetics (formerly Invitae), Labcorp
Classification: Uncertain significance for Dilated cardiomyopathy 1G; Autosomal recessive limb-girdle muscular dystrophy type 2J. Last evaluated: 2017-06-14. Review status: criteria provided, single submitter. Criteria: Invitae Variant Classification Sherloc (09022015). Collection method: clinical testing. Allele origin: germline.

Laboratory for Molecular Medicine, Mass General Brigham Personalized Medicine
Classification: Uncertain significance. Last evaluated: 2013-06-17. Review status: criteria provided, single submitter. Criteria: LMM Criteria. Collection method: clinical testing. Allele origin: germline. Observed: 3 variant alleles.
Comment: Variant classified as Uncertain Significance - Favor Benign. This variant has also been identified in 1/8284 European American chromosomes and 1/3870 African American chromosomes by the NHLBI Exome Sequencing Project. Aspartic acid (Asp) at position 3601 is not c onserved in evolutionarily distant species, including within mammals, suggesting that a change at this position may be tolerated. Other computational analyses ( biochemical amino acid properties, AlignGVGD, PolyPhen2, and SIFT) also suggest that this variant may not impact the protein, though this information is not pre dictive enough to rule out pathogenicity. The lack of conservation suggests that this variant is more likely benign, but additional studies are needed to fully assess its clinical significance.

Literature cited by the submitters: PubMed 30949922 (cited by Athena Diagnostics); PubMed 38757491 (cited by Athena Diagnostics).